The following is an entry in ClinVar:

NM_004360.5(CDH1):c.2530A>G (p.Ser844Gly)

Gene: CDH1 (cadherin 1; plus strand). Cytogenetic location: 16q22.1.
Variant type: single nucleotide variant.
Coding change: c.2530A>G on transcript NM_004360.5 (MANE Select); coding-DNA position 2530, A replaced by G.
Protein change: p.Ser844Gly; replaces serine 844 with glycine.
Molecular consequence: missense variant.
Genome position (GRCh38, 1-based): chr16:68,833,380, A>G. VCF-style: chr16-68833380-A-G. GRCh37 (hg19) VCF-style: chr16-68867283-A-G.
Other names: c.2347A>G, p.Ser783Gly (NM_001317184.2); c.982A>G, p.Ser328Gly (NM_001317185.2); c.565A>G, p.Ser189Gly (NM_001317186.2); short protein forms S844G, S189G, S328G, S783G.
Identifiers: ClinVar variation 821441 (VCV000821441.4), dbSNP rs761400928, ClinGen allele CA396472322.

ClinVar aggregate classification (germline): Uncertain significance (1 of 4 stars; one submission).

Conditions:
Hereditary cancer-predisposing syndrome. Also called: Neoplastic Syndromes, Hereditary; Tumor predisposition; Hereditary Cancer Syndrome; Hereditary neoplastic syndrome. Identifiers: Orphanet 140162, MedGen C0027672, MeSH D009386, MONDO:0015356.

Allele frequency attached by ClinVar (database versions not stated): TOPMed below 0.00001.
gnomAD v4.1: 2 of 1,614,202 alleles (0.00012%); highest among the groups gnomAD compares: East Asian, 0.0022%; no homozygotes.

Submission:

Ambry Genetics
Classification: Uncertain significance for Hereditary cancer-predisposing syndrome. Last evaluated: 2019-09-28. Review status: criteria provided, single submitter. Criteria: Ambry Variant Classification Scheme 2023. Collection method: clinical testing. Allele origin: germline.
Comment: The p.S844G variant (also known as c.2530A>G), located in coding exon 16 of the CDH1 gene, results from an A to G substitution at nucleotide position 2530. The serine at codon 844 is replaced by glycine, an amino acid with similar properties. This alteration has been reported with a carrier frequency of 0.00028 in 7051 unselected female breast cancer patients, 0.00 in 53 unselected male breast cancer patients, 0.00018 in 11241 female controls, and 0.0002 in 12490 male controls of Japanese ancestry (Momozawa Y et al. Nat Commun, 2018 10;9:4083). This amino acid position is well conserved in available vertebrate species. In addition, the in silico prediction for this alteration is inconclusive. Since supporting evidence is limited at this time, the clinical significance of this alteration remains unclear.

Literature cited by the submitters: PubMed 15313375; PubMed 30287823.